The following is an entry in ClinVar:

ClinVar aggregate classification (germline): Benign (1 of 4 stars; one submission).

Allele frequency attached by ClinVar (database versions not stated): 1000 Genomes Project 0.00180; 1000 Genomes Project 30x 0.00187; ESP Exome Variant Server 0.00600.

Submission:

CeGaT Center for Human Genetics Tuebingen
Classification: Benign. Last evaluated: 2024-02-01. Review status: criteria provided, single submitter. Criteria: CeGaT Center For Human Genetics Tuebingen Variant Classification Criteria Version 2. Collection method: clinical testing. Allele origin: germline. Affected: yes. Observed: 1 variant allele.
Comment: TNFAIP1: BP4, BP7, BS1, BS2

NM_021137.5(TNFAIP1):c.618C>T (p.Asp206=)

Gene: TNFAIP1 (TNF alpha induced protein 1; plus strand). Cytogenetic location: 17q11.2.
Variant type: single nucleotide variant.
Coding change: c.618C>T on transcript NM_021137.5 (MANE Select); coding-DNA position 618, C replaced by T.
Protein change: p.Asp206=; no amino-acid change (aspartic acid 206 retained).
Molecular consequence: synonymous variant.
Genome position (GRCh38, 1-based): chr17:28,342,346, C>T. VCF-style: chr17-28342346-C-T. GRCh37 (hg19) VCF-style: chr17-26669372-C-T.
Identifiers: ClinVar variation 3024741 (VCV003024741.22), dbSNP rs3093722, ClinGen allele CA8456463.